The following is an entry in ClinVar:

ClinVar aggregate classification (germline): Pathogenic (1 of 4 stars; one submission).

Conditions:
Oculofaciocardiodental syndrome (MCOPS2). Identifiers: Orphanet 2712, MedGen C1846265, MONDO:0010261, OMIM 300166.

Submission:

Labcorp Genetics (formerly Invitae), Labcorp
Classification: Pathogenic for Oculofaciocardiodental syndrome. Last evaluated: 2022-02-06. Review status: criteria provided, single submitter. Criteria: Invitae Variant Classification Sherloc (09022015). Collection method: clinical testing. Allele origin: germline.
Comment: This variant is not present in population databases (gnomAD no frequency). For these reasons, this variant has been classified as Pathogenic. This variant has not been reported in the literature in individuals affected with BCOR-related conditions. This sequence change creates a premature translational stop signal (p.Gln308*) in the BCOR gene. It is expected to result in an absent or disrupted protein product. Loss-of-function variants in BCOR are known to be pathogenic (PMID: 15004558, 19367324).

Literature cited by the submitters: PubMed 15004558; PubMed 19367324.

NM_001123385.2(BCOR):c.922C>T (p.Gln308Ter)

Genes: BCOR (BCL6 corepressor; minus strand), LOC126863239 (MED14-independent group 3 enhancer GRCh37_chrX:39932994-39934193; plus strand). Cytogenetic location: Xp11.4.
Variant type: single nucleotide variant.
Coding change: c.922C>T on transcript NM_001123385.2 (MANE Select); coding-DNA position 922, C replaced by T.
Protein change: p.Gln308Ter; replaces glutamine 308 with a stop codon.
Molecular consequence: nonsense.
Genome position (GRCh38, 1-based): chrX:40,074,424, G>A on the plus strand (C>T on the coding strand, the complement: BCOR is on the minus strand). VCF-style: chrX-40074424-G-A. GRCh37 (hg19) VCF-style: chrX-39933677-G-A.
Other names: c.922C>T, p.Gln308Ter (NM_001123383.2, NM_001123384.2, NM_017745.6); short protein forms Q308*.
Identifiers: ClinVar variation 2094186 (VCV002094186.4), dbSNP rs2520071979, ClinGen allele CA412747688.